The following is an entry in ClinVar:

ClinVar aggregate classification (germline): Uncertain significance (1 of 4 stars; one submission).

Conditions:
Familial cancer of breast. Also called: Hereditary breast cancer; BREAST CANCER, FAMILIAL; hereditary breast carcinoma. Identifiers: Orphanet 227535, MedGen C0346153, MONDO:0016419, OMIM 114480. Disease mechanism: loss of function.

Allele frequency attached by ClinVar (database versions not stated): gnomAD exomes 0.00001.

Submission:

Labcorp Genetics (formerly Invitae), Labcorp
Classification: Uncertain significance for Familial cancer of breast. Last evaluated: 2019-02-25. Review status: criteria provided, single submitter. Criteria: Invitae Variant Classification Sherloc (09022015). Collection method: clinical testing. Allele origin: germline.
Comment: In summary, the available evidence is currently insufficient to determine the role of this variant in disease. Therefore, it has been classified as a Variant of Uncertain Significance. Algorithms developed to predict the effect of missense changes on protein structure and function (SIFT, PolyPhen-2, Align-GVGD) all suggest that this variant is likely to be tolerated, but these predictions have not been confirmed by published functional studies and their clinical significance is uncertain. This variant has not been reported in the literature in individuals with PALB2-related conditions. ClinVar contains an entry for this variant (Variation ID: 241542). This variant is not present in population databases (ExAC no frequency). This sequence change replaces alanine with valine at codon 761 of the PALB2 protein (p.Ala761Val). The alanine residue is weakly conserved and there is a small physicochemical difference between alanine and valine.

NM_024675.4(PALB2):c.2282C>T (p.Ala761Val)

Gene: PALB2 (partner and localizer of BRCA2; minus strand). Cytogenetic location: 16p12.2.
Variant type: single nucleotide variant.
Coding change: c.2282C>T on transcript NM_024675.4 (MANE Select); coding-DNA position 2282, C replaced by T.
Protein change: p.Ala761Val; replaces alanine 761 with valine.
Molecular consequence: missense variant.
Genome position (GRCh38, 1-based): chr16:23,629,872, G>A on the plus strand (C>T on the coding strand, the complement: PALB2 is on the minus strand). VCF-style: chr16-23629872-G-A. GRCh37 (hg19) VCF-style: chr16-23641193-G-A.
Other names: short protein forms A761V.
Identifiers: ClinVar variation 241542 (VCV000241542.11), dbSNP rs878855108, ClinGen allele CA10583364.